The following is an entry in ClinVar:

ClinVar aggregate classification (germline): Conflicting classifications of pathogenicity. Review status: criteria provided, conflicting classifications (1 of 4 stars). 2 submissions from 2 submitters: Likely pathogenic (1); Uncertain significance (1). Last evaluated 2023-08-14.

Conditions:
Hereditary cancer-predisposing syndrome. Also called: Tumor predisposition; Hereditary neoplastic syndrome; Neoplastic Syndromes, Hereditary; Hereditary Cancer Syndrome. Identifiers: Orphanet 140162, MedGen C0027672, MeSH D009386, MONDO:0015356.
Familial cancer of breast. Also called: Hereditary breast cancer; BREAST CANCER, FAMILIAL; hereditary breast carcinoma. Identifiers: Orphanet 227535, MedGen C0346153, MONDO:0016419, OMIM 114480. Disease mechanism: loss of function.

Submissions (2):

Ambry Genetics
Classification: Uncertain significance for Hereditary cancer-predisposing syndrome. Last evaluated: 2023-08-14. Review status: criteria provided, single submitter. Criteria: Ambry Variant Classification Scheme 2023. Collection method: clinical testing. Allele origin: germline.
Comment: The c.1904-1G>T intronic variant results from a G to T substitution one nucleotide upstream from coding exon 10 of the BARD1 gene. Alterations that disrupt the canonical splice site are expected to cause aberrant splicing. In silico splice site analysis predicts that this alteration will weaken the native splice acceptor site and will result in the creation or strengthening of a novel splice acceptor site; however, direct evidence is insufficient at this time (Ambry internal data). The resulting transcript is predicted to be in-frame and is not expected to trigger nonsense-mediated mRNA decay; however, direct evidence is unavailable. The exact functional effect of the altered amino acid sequence is unknown. This nucleotide position is highly conserved in available vertebrate species. Since supporting evidence is limited at this time, the clinical significance of this alteration remains unclear.

Myriad Genetics, Inc.
Classification: Likely pathogenic for Familial cancer of breast. Last evaluated: 2023-05-24. Review status: criteria provided, single submitter. Criteria: Myriad Autosomal Dominant, Autosomal Recessive and X-Linked Classification Criteria (2023). Collection method: clinical testing. Allele origin: unknown.
Comment: This variant is considered likely pathogenic. This variant occurs within a consensus splice junction and is predicted to result in abnormal mRNA splicing of either an out-of-frame exon or an in-frame exon necessary for protein stability and/or normal function.

NM_000465.4(BARD1):c.1904-1G>T

Gene: BARD1 (BRCA1 associated RING domain 1; minus strand). Cytogenetic location: 2q35.
Variant type: single nucleotide variant.
Coding change: c.1904-1G>T on transcript NM_000465.4 (MANE Select); the canonical splice acceptor site of the intron before coding-DNA position 1904, G replaced by T.
Molecular consequence: splice acceptor variant.
Genome position (GRCh38, 1-based): chr2:214,730,509, C>A on the plus strand (G>T on the coding strand, the complement: BARD1 is on the minus strand). VCF-style: chr2-214730509-C-A. GRCh37 (hg19) VCF-style: chr2-215595233-C-A.
Other names: c.494-1G>T (NM_001282548.2); c.1847-1G>T (NM_001282543.2); c.551-1G>T (NM_001282545.2); c.365-1G>T (NM_001282549.2); c.1904-1G>T (NM_000465.2).
Identifiers: ClinVar variation 2583244 (VCV002583244.3), dbSNP rs2469277929, ClinGen allele CA350451356.